The following is an entry in ClinVar:

NM_015909.4(NBAS):c.6382G>T (p.Val2128Leu)

Gene: NBAS (NBAS subunit of NRZ tethering complex; minus strand). Cytogenetic location: 2p24.3.
Variant type: single nucleotide variant.
Coding change: c.6382G>T on transcript NM_015909.4 (MANE Select); coding-DNA position 6382, G replaced by T.
Protein change: p.Val2128Leu; replaces valine 2128 with leucine.
Molecular consequence: missense variant.
Genome position (GRCh38, 1-based): chr2:15,218,823, C>A on the plus strand (G>T on the coding strand, the complement: NBAS is on the minus strand). VCF-style: chr2-15218823-C-A. GRCh37 (hg19) VCF-style: chr2-15358947-C-A.
Other names: short protein forms V2128L.
Identifiers: ClinVar variation 1350257 (VCV001350257.5), dbSNP rs375991089, ClinGen allele CA1535022.
Genomic context (GRCh38, chr2:15,218,823, plus strand): 5'-ACTCCCTTACCTGTCTCTGGGGCCAGGAGGCTTTGAGAATGGCTTCAGTTCTAAAGAACA[C>A]GAGGAGCTTGCTGTCCTCCTCAGTCAGGTGAAATGATTGCCCCAAAATCTGCAGCACGTG-3'
Protein context (NP_056993.2, residues 2118-2138): HLTEEDSKLL[Val2128Leu]FFRTEAILKA

ClinVar aggregate classification (germline): Uncertain significance (1 of 4 stars; one submission).

gnomAD v4.1: 78 of 1,614,134 alleles (0.0048%); highest among the groups gnomAD compares: Non-Finnish European, 0.0064%; no homozygotes.

Submissions (2):

Labcorp Genetics (formerly Invitae), Labcorp
Classification: Uncertain significance. Last evaluated: 2025-12-06. Review status: criteria provided, single submitter. Criteria: Invitae Variant Classification Sherloc (09022015). Collection method: clinical testing. Allele origin: germline.
Comment: This sequence change replaces valine, which is neutral and non-polar, with leucine, which is neutral and non-polar, at codon 2128 of the NBAS protein (p.Val2128Leu). This variant is present in population databases (rs375991089, gnomAD 0.01%). This variant has not been reported in the literature in individuals affected with NBAS-related conditions. ClinVar contains an entry for this variant (Variation ID: 1350257). Invitae Evidence Modeling of protein sequence and biophysical properties (such as structural, functional, and spatial information, amino acid conservation, physicochemical variation, residue mobility, and thermodynamic stability) indicates that this missense variant is not expected to disrupt NBAS protein function with a negative predictive value of 95%. In summary, the available evidence is currently insufficient to determine the role of this variant in disease. Therefore, it has been classified as a Variant of Uncertain Significance.

Dr. Peter K. Rogan Lab, Western University
No classification provided (evidence only). Condition: Familial cancer of breast. Review status: no classification provided. Collection method: in vitro. Allele origin: not applicable. Functional consequence: retained intron. Not counted in ClinVar's aggregate classification.